The following is an entry in ClinVar:

NM_000392.5(ABCC2):c.2395_2396del (p.Ile799fs)

Gene: ABCC2 (ATP binding cassette subfamily C member 2; plus strand). Cytogenetic location: 10q24.2.
Variant type: Microsatellite.
Coding change: c.2395_2396del on transcript NM_000392.5 (MANE Select); coding-DNA positions 2395 to 2396, 2 bases deleted (AT; older notation c.2395_2396delAT).
Protein change: p.Ile799fs; shifts the reading frame from isoleucine 799.
Molecular consequence: frameshift variant.
Genome position (GRCh38, 1-based): chr10:99,818,913-99,818,914, AT deleted; deleting any 2 consecutive bases within chr10:99,818,911-99,818,914 gives the same sequence; the c. name uses the placement nearest the transcript's 3' end. VCF-style (leftmost placement, unchanged base first): chr10-99818910-CAT-C. GRCh37 (hg19) VCF-style: chr10-101578667-CAT-C.
Other names: short protein forms I799fs.
Identifiers: ClinVar variation 2977744 (VCV002977744.4), dbSNP rs2038474519, ClinGen allele CA931730522.

ClinVar aggregate classification (germline): Pathogenic (1 of 4 stars; one submission).

Submission:

Labcorp Genetics (formerly Invitae), Labcorp
Classification: Pathogenic. Last evaluated: 2023-04-06. Review status: criteria provided, single submitter. Criteria: Invitae Variant Classification Sherloc (09022015). Collection method: clinical testing. Allele origin: germline.
Comment: For these reasons, this variant has been classified as Pathogenic. This variant has not been reported in the literature in individuals affected with ABCC2-related conditions. This variant is not present in population databases (gnomAD no frequency). This sequence change creates a premature translational stop signal (p.Ile799Phefs*2) in the ABCC2 gene. It is expected to result in an absent or disrupted protein product. Loss-of-function variants in ABCC2 are known to be pathogenic (PMID: 9185779, 16549534, 16952291).

Literature cited by the submitters: PubMed 9185779; PubMed 16549534; PubMed 16952291.